The following is an entry in ClinVar:

NM_001012339.3(DNAJC21):c.214C>G (p.Leu72Val)

Gene: DNAJC21 (DnaJ heat shock protein family (Hsp40) member C21; plus strand). Cytogenetic location: 5p13.2.
Variant type: single nucleotide variant.
Coding change: c.214C>G on transcript NM_001012339.3 (MANE Select); coding-DNA position 214, C replaced by G.
Protein change: p.Leu72Val; replaces leucine 72 with valine.
Molecular consequence: missense variant.
Genome position (GRCh38, 1-based): chr5:34,935,732, C>G. VCF-style: chr5-34935732-C-G. GRCh37 (hg19) VCF-style: chr5-34935837-C-G.
Other names: c.214C>G, p.Leu72Val (NM_001348420.2, NM_194283.4); short protein forms L72V.
Identifiers: ClinVar variation 1425044 (VCV001425044.3), dbSNP rs778723001, ClinGen allele CA3228375.

ClinVar aggregate classification (germline): Uncertain significance (1 of 4 stars; one submission).

Allele frequency attached by ClinVar (database versions not stated): gnomAD exomes below 0.00001; ExAC 0.00001; gnomAD 0.00001; TOPMed 0.00001.
gnomAD v4.1: 5 of 1,613,758 alleles (0.00031%); highest among the groups gnomAD compares: Non-Finnish European, 0.00025%; 1 homozygote.

Submission:

Labcorp Genetics (formerly Invitae), Labcorp
Classification: Uncertain significance. Last evaluated: 2021-08-11. Review status: criteria provided, single submitter. Criteria: Invitae Variant Classification Sherloc (09022015). Collection method: clinical testing. Allele origin: germline.
Comment: This sequence change replaces leucine with valine at codon 72 of the DNAJC21 protein (p.Leu72Val). The leucine residue is moderately conserved and there is a small physicochemical difference between leucine and valine. This variant is present in population databases (rs778723001, ExAC 0.001%). This variant has not been reported in the literature in individuals affected with DNAJC21-related conditions. Algorithms developed to predict the effect of missense changes on protein structure and function are either unavailable or do not agree on the potential impact of this missense change (SIFT: "Tolerated"; PolyPhen-2: "Possibly Damaging"; Align-GVGD: "Class C0"). In summary, the available evidence is currently insufficient to determine the role of this variant in disease. Therefore, it has been classified as a Variant of Uncertain Significance.